The following is an entry in ClinVar:

NM_017613.4(DONSON):c.402+1G>C

Gene: DONSON (DNA replication fork stabilization factor DONSON; minus strand). Cytogenetic location: 21q22.11.
Variant type: single nucleotide variant.
Coding change: c.402+1G>C on transcript NM_017613.4 (MANE Select); the canonical splice donor site of the intron after coding-DNA position 402, G replaced by C.
Molecular consequence: splice donor variant.
Genome position (GRCh38, 1-based): chr21:33,587,521, C>G on the plus strand (G>C on the coding strand, the complement: DONSON is on the minus strand). VCF-style: chr21-33587521-C-G. GRCh37 (hg19) VCF-style: chr21-34959827-C-G.
Identifiers: ClinVar variation 1509791 (VCV001509791.6), dbSNP rs762881899, ClinGen allele CA410142824.
Genomic context (GRCh38, chr21:33,587,521, plus strand): 5'-AAATCCTATGAAAAAAAAGTTTATACAAATACACATTCTAATGATATTTAAAAAGTATTA[C>G]CTGAGGTAATTCAGTAACAGTTGTTCTTTCAGGAAACTTCTCTTCCCATAGCAAATCATT-3'

ClinVar aggregate classification (germline): Likely pathogenic (1 of 4 stars; one submission).

gnomAD v4.1: 5 of 1,585,840 alleles (0.00032%); highest among the groups gnomAD compares: Non-Finnish European, 0.00026%; no homozygotes.

Submission:

Labcorp Genetics (formerly Invitae), Labcorp
Classification: Likely pathogenic. Last evaluated: 2024-02-24. Review status: criteria provided, single submitter. Criteria: Invitae Variant Classification Sherloc (09022015). Collection method: clinical testing. Allele origin: germline.
Comment: This sequence change affects a donor splice site in intron 2 of the DONSON gene. It is expected to disrupt RNA splicing. Variants that disrupt the donor or acceptor splice site typically lead to a loss of protein function (PMID: 16199547), and loss-of-function variants in DONSON are known to be pathogenic (PMID: 28191891, 28630177). This variant is present in population databases (no rsID available, gnomAD 0.01%). This variant has not been reported in the literature in individuals affected with DONSON-related conditions. ClinVar contains an entry for this variant (Variation ID: 1509791). Algorithms developed to predict the effect of sequence changes on RNA splicing suggest that this variant may disrupt the consensus splice site. In summary, the currently available evidence indicates that the variant is pathogenic, but additional data are needed to prove that conclusively. Therefore, this variant has been classified as Likely Pathogenic.

Literature cited by the submitters: PubMed 16199547; PubMed 28191891; PubMed 28630177.